The following is an entry in ClinVar:

ClinVar aggregate classification (germline): Conflicting classifications of pathogenicity. Review status: criteria provided, conflicting classifications (1 of 4 stars). 6 submissions from 6 submitters: Uncertain significance (4); Likely benign (1). 1 of the submissions does not count toward it. Last evaluated 2025-12-22.

Conditions:
FOXC1-related disorder. Also called: FOXC1-related condition.
Anterior segment dysgenesis 3 (ASGD3). Also called: IRIDOGONIODYSGENESIS ANOMALY, AUTOSOMAL DOMINANT; Glaucoma iridogoniodysplasia, familial. Identifiers: Orphanet 91483, MedGen C5975707, MONDO:0024456, OMIM 601631.
Axenfeld-Rieger syndrome type 3 (RIEG3). Also called: AXENFELD-RIEGER ANOMALY WITH CARDIAC DEFECTS AND/OR SENSORINEURAL HEARING LOSS. Identifiers: Orphanet 782, MedGen C2678503, MONDO:0011233, OMIM 602482.

Allele frequency attached by ClinVar (database versions not stated): gnomAD exomes 0.00004 and 0.00010; gnomAD 0.00005 and 0.00006; ExAC 0.00031.

Submissions (6):

PreventionGenetics, part of Exact Sciences
Classification: Uncertain significance for FOXC1-related condition. Last evaluated: 2025-12-22. Review status: criteria provided, single submitter. Criteria: ACMG Guidelines, 2015. Collection method: clinical testing. Allele origin: germline.
Comment: The FOXC1 c.1337_1342dup6 variant is predicted to result in an in-frame duplication (p.Gly447_Gly448insAspGly). This variant was reported in an individual with congenital glaucoma and functional studies indicate it results in increased transcriptional activity (Medina-Trillo et al. 2015. PubMed ID: 25786029). This variant is reported in 0.044% of alleles in individuals of South Asian descent in gnomAD; however, this site has poor quality metrics in gnomAD and the frequency may not be reliable. Of note, the majority of pathogenic non-truncating variants in FOXC1 are located in the forkhead domain, which this variant is not located in. At this time, the clinical significance of this variant is uncertain due to the absence of conclusive functional and genetic evidence.

Labcorp Genetics (formerly Invitae), Labcorp
Classification: Uncertain significance for Axenfeld-Rieger syndrome type 3. Last evaluated: 2025-01-22. Review status: criteria provided, single submitter. Criteria: Invitae Variant Classification Sherloc (09022015). Collection method: clinical testing. Allele origin: germline.
Comment: This variant, c.1337_1342dup, results in the insertion of 2 amino acid(s) of the FOXC1 protein (p.Gly447_Gly448insAspGly), but otherwise preserves the integrity of the reading frame. This variant is present in population databases (rs756037576, gnomAD 0.04%), and has an allele count higher than expected for a pathogenic variant. This variant has not been reported in the literature in individuals affected with FOXC1-related conditions. ClinVar contains an entry for this variant (Variation ID: 132835). Algorithms developed to predict the effect of variants on gene product structure and function are not available or were not evaluated for this variant. Experimental studies have shown that this variant does not substantially affect FOXC1 function (PMID: 25786029). In summary, the available evidence is currently insufficient to determine the role of this variant in disease. Therefore, it has been classified as a Variant of Uncertain Significance.

Blueprint Genetics
Classification: Likely benign. Last evaluated: 2024-10-28. Review status: criteria provided, single submitter. Criteria: ACMG Guidelines, 2015. Collection method: clinical testing. Allele origin: germline.

Revvity Omics, Revvity
Classification: Uncertain significance. Last evaluated: 2024-08-15. Review status: criteria provided, single submitter. Criteria: ACMG Guidelines, 2015. Collection method: clinical testing. Allele origin: germline.

Fulgent Genetics
Classification: Uncertain significance for Anterior segment dysgenesis 3; Axenfeld-Rieger syndrome type 3. Last evaluated: 2024-04-15. Review status: criteria provided, single submitter. Criteria: ACMG Guidelines, 2015. Collection method: clinical testing. Allele origin: germline.

Human Genetics School of Medicine of Albacete, Castilla-La Mancha University
Classification: Pathogenic. Review status: no assertion criteria provided. Collection method: not provided. Allele origin: inherited. Not counted in ClinVar's aggregate classification.
Comment: Adul-Onset Open Angle Glaucoma
ClinVar note: Converted during submission from pathogenic to Pathogenic.

Literature cited by the submitters: PubMed 25786029 (cited by Labcorp Genetics (formerly Invitae), Labcorp).

NM_001453.3(FOXC1):c.1337_1342dup (p.Gly447_Gly448insAspGly)

Gene: FOXC1 (forkhead box C1; plus strand). Cytogenetic location: 6p25.3.
Variant type: Duplication.
Coding change: c.1337_1342dup on transcript NM_001453.3 (MANE Select); coding-DNA positions 1337 to 1342, 6 bases duplicated (ACGGCG; older notation c.1337_1342dupACGGCG).
Protein change: p.Gly447_Gly448insAspGly.
Molecular consequence: inframe insertion.
Genome position (GRCh38, 1-based): chr6:1,611,782-1,611,787, ACGGCG duplicated. VCF-style (leftmost placement, unchanged base first): chr6-1611781-C-CACGGCG. GRCh37 (hg19) VCF-style: chr6-1612016-C-CACGGCG.
Other names: c.1337_1342dup6 (NM_001453.2).
Identifiers: ClinVar variation 132835 (VCV000132835.10), dbSNP rs756037576, ClinGen allele CA248385.